The following is an entry in ClinVar:

NM_006642.5(SDCCAG8):c.250C>T (p.Gln84Ter)

Gene: SDCCAG8 (SHH signaling and ciliogenesis regulator SDCCAG8; plus strand). Cytogenetic location: 1q43.
Variant type: single nucleotide variant.
Coding change: c.250C>T on transcript NM_006642.5 (MANE Select); coding-DNA position 250, C replaced by T.
Protein change: p.Gln84Ter; replaces glutamine 84 with a stop codon.
Molecular consequence: nonsense. On other transcripts: 5 prime UTR variant (4).
Genome position (GRCh38, 1-based): chr1:243,271,007, C>T. VCF-style: chr1-243271007-C-T. GRCh37 (hg19) VCF-style: chr1-243434309-C-T.
Other names: c.-863C>T (NM_001350246.2); c.-751C>T (NM_001350247.2); c.250C>T, p.Gln84Ter (NM_001350248.2); c.-45C>T (NM_001350249.2); c.-1124C>T (NM_001350251.2); short protein forms Q84*.
Identifiers: ClinVar variation 1400329 (VCV001400329.6), dbSNP rs201658593, ClinGen allele CA345474852.

ClinVar aggregate classification (germline): Pathogenic (1 of 4 stars; one submission).

Conditions:
Senior-Loken syndrome 7 (SLSN7). Identifiers: Orphanet 3156, MedGen C3150877, MONDO:0013326, OMIM 613615.
Bardet-Biedl syndrome 16 (BBS16). Identifiers: Orphanet 110, MedGen C3889474, MONDO:0014444, OMIM 615993.

Submission:

Labcorp Genetics (formerly Invitae), Labcorp
Classification: Pathogenic for Bardet-Biedl syndrome 16; Senior-Loken syndrome 7. Last evaluated: 2022-02-08. Review status: criteria provided, single submitter. Criteria: Invitae Variant Classification Sherloc (09022015). Collection method: clinical testing. Allele origin: germline.
Comment: For these reasons, this variant has been classified as Pathogenic. This variant has not been reported in the literature in individuals affected with SDCCAG8-related conditions. This variant is not present in population databases (gnomAD no frequency). This sequence change creates a premature translational stop signal (p.Gln84*) in the SDCCAG8 gene. It is expected to result in an absent or disrupted protein product. Loss-of-function variants in SDCCAG8 are known to be pathogenic (PMID: 20835237, 22190896).

Literature cited by the submitters: PubMed 20835237; PubMed 22190896.